The following is an entry in ClinVar:

NM_001122955.4(BSCL2):c.1280T>C (p.Leu427Pro)

Genes: BSCL2 (BSCL2 lipid droplet biogenesis associated, seipin; minus strand), HNRNPUL2-BSCL2 (HNRNPUL2-BSCL2 readthrough (NMD candidate); minus strand). Cytogenetic location: 11q12.3.
Variant type: single nucleotide variant.
Coding change: c.1280T>C on transcript NM_001122955.4 (MANE Select); coding-DNA position 1280, T replaced by C.
Protein change: p.Leu427Pro; replaces leucine 427 with proline.
Molecular consequence: missense variant. On other transcripts: non-coding transcript variant (1), 3 prime UTR variant (1).
Genome position (GRCh38, 1-based): chr11:62,690,476, A>G on the plus strand (T>C on the coding strand, the complement: BSCL2 is on the minus strand). VCF-style: chr11-62690476-A-G. GRCh37 (hg19) VCF-style: chr11-62457948-A-G.
Other names: c.*82T>C (NM_001130702.2); c.1286T>C, p.Leu429Pro (NM_001386027.1); c.1280T>C, p.Leu427Pro (NM_001386028.1); c.1088T>C, p.Leu363Pro (NM_032667.6); short protein forms L427P, L363P, L429P.
Identifiers: ClinVar variation 128532 (VCV000128532.86), dbSNP rs145649423, ClinGen allele CA200862.
Genomic context (GRCh38, chr11:62,690,476, plus strand): 5'-TCAGAGCTGCCCAGAGTCTCTAGGACAGGGGCAGAAGCAGAAGCAGGAGCAGGAGCAGGC[A>G]GGTTGGCCTCCGTCAGCAAAGCTGCATCTTCCCAGGAGCCTGAACCTGGGCCAGGAAAGG-3'
Protein context (NP_001116427.1, residues 417-437): EDAALLTEAN[Leu427Pro]PAPAPASASA

ClinVar aggregate classification (germline): Conflicting classifications of pathogenicity. Review status: criteria provided, conflicting classifications (1 of 4 stars). 22 submissions from 21 submitters: Uncertain risk allele (1); Benign (6); Likely benign (11). 4 of the submissions do not count toward it. Last evaluated 2026-08-01.

Conditions:
Monogenic diabetes. Identifiers: Orphanet 183625, MedGen C3888631, MONDO:0015967.
Neuronopathy, distal hereditary motor, type 5C. Also called: DHMN VC; NEURONOPATHY, DISTAL HEREDITARY MOTOR, HARDING TYPE VC; NEUROPATHY, DISTAL HEREDITARY MOTOR, HARDING TYPE VC; SPINAL MUSCULAR ATROPHY, DISTAL, HARDING TYPE VC; NEURONOPATHY, DISTAL HEREDITARY MOTOR, AUTOSOMAL DOMINANT 13. Identifiers: MedGen C5436838, MONDO:0030860, OMIM 619112.
Congenital generalized lipodystrophy type 2 (CGL2). Also called: Berardinelli-Seip Congenital Lipodystrophy Type 2; SEIP SYNDROME; BERARDINELLI SYNDROME; BRUNZELL SYNDROME, BSCL2-RELATED. Identifiers: Orphanet 528, Orphanet 696289, MedGen C1720863, MONDO:0010020, OMIM 269700.
Severe neurodegenerative syndrome with lipodystrophy. Also called: ENCEPHALOPATHY, PROGRESSIVE, WITH LIPODYSTROPHY; Encephalopathy, progressive, with or without lipodystrophy. Identifiers: Orphanet 363400, MedGen C4014700, MONDO:0014402, OMIM 615924.
Hereditary spastic paraplegia 17. Also called: Spastic Paraplegia 17; Autosomal dominant spastic paraplegia type 17; Silver Syndrome; SPASTIC PARAPLEGIA WITH AMYOTROPHY OF HANDS AND FEET; Silver spastic paraplegia syndrome. Identifiers: Orphanet 100998, MedGen C2931276, MONDO:0010043, OMIM 270685.
Inborn genetic diseases. Identifiers: MedGen C0950123, MeSH D030342.
Charcot-Marie-Tooth disease type 2. Also called: Charcot-Marie-Tooth type 2. Identifiers: Orphanet 64746, MedGen C0270914, MONDO:0018993.
Hereditary spastic paraplegia. Also called: Familial spastic paraparesis. Identifiers: Orphanet 685, MedGen C0037773, MONDO:0019064. Disease mechanism: loss of function.
Neuronopathy, distal hereditary motor, type 5A (HMND5). Also called: NEURONOPATHY, DISTAL HEREDITARY MOTOR, AUTOSOMAL DOMINANT 5; DHMN VA; Distal Spinal Muscular Atrophy V; Distal Spinal Muscular Atrophy V (dSMA-V). Identifiers: Orphanet 139536, MedGen CN031873, MONDO:0015353, OMIM 600794.

Allele frequency attached by ClinVar (database versions not stated): 1000 Genomes Project 0.00080; 1000 Genomes Project 30x 0.00094; ESP Exome Variant Server 0.00261; gnomAD exomes 0.00293 and 0.00352; gnomAD 0.00296 and 0.00301; TOPMed 0.00306; ExAC 0.00392.
gnomAD v4.1: 4,765 of 1,614,202 alleles (0.3%); highest among the groups gnomAD compares: Middle Eastern, 0.97%; 20 homozygotes.

Submissions (22):

CeGaT Center for Human Genetics Tuebingen
Classification: Likely benign. Last evaluated: 2026-08-01. Review status: criteria provided, single submitter. Criteria: CeGaT Center For Human Genetics Tuebingen Variant Classification Criteria Version 2. Collection method: clinical testing. Allele origin: germline. Affected: yes. Observed: 40 variant alleles.
Comment: BSCL2: BS2

Labcorp Genetics (formerly Invitae), Labcorp
Classification: Benign for Charcot-Marie-Tooth disease type 2. Last evaluated: 2026-02-02. Review status: criteria provided, single submitter. Criteria: Invitae Variant Classification Sherloc (09022015). Collection method: clinical testing. Allele origin: germline.

Women's Health and Genetics/Laboratory Corporation of America, LabCorp
Classification: Benign. Last evaluated: 2025-02-10. Review status: criteria provided, single submitter. Criteria: LabCorp Variant Classification Summary - May 2015. Collection method: clinical testing. Allele origin: germline.
Comment: Variant summary: BSCL2 c.1088T>C (p.Leu363Pro) results in a non-conservative amino acid change in the encoded protein sequence. Three of five in-silico tools predict a benign effect of the variant on protein function. The variant allele was found at a frequency of 0.003 in 1614202 control chromosomes in the gnomAD database, including 20 homozygotes. The observed variant frequency is approximately 2.64 fold of the estimated maximal expected allele frequency for a pathogenic variant in BSCL2 causing Congenital generalized lipodystrophy type 2 phenotype (0.0011). To our knowledge, no occurrence of c.1088T>C in individuals affected with Congenital generalized lipodystrophy type 2 and no experimental evidence demonstrating its impact on protein function have been reported. ClinVar contains an entry for this variant (Variation ID: 128532). Based on the evidence outlined above, the variant was classified as benign.

ARUP Laboratories, Molecular Genetics and Genomics, ARUP Laboratories
Classification: Likely benign. Last evaluated: 2024-12-31. Review status: criteria provided, single submitter. Criteria: ARUP Molecular Germline Variant Investigation Process 2024. Collection method: clinical testing. Allele origin: germline.

Blueprint Genetics
Classification: Likely benign. Last evaluated: 2024-11-26. Review status: criteria provided, single submitter. Criteria: ACMG Guidelines, 2015. Collection method: clinical testing. Allele origin: germline.

Athena Diagnostics
Classification: Benign. Last evaluated: 2024-01-19. Review status: criteria provided, single submitter. Criteria: Athena Diagnostics Criteria. Collection method: clinical testing. Allele origin: unknown.

Mayo Clinic Laboratories, Mayo Clinic
Classification: Benign. Last evaluated: 2023-05-04. Review status: criteria provided, single submitter. Criteria: ACMG Guidelines, 2015. Collection method: clinical testing. Allele origin: germline. Observed: 23 variant alleles.
Comment: BS1, BS2

Fulgent Genetics
Classification: Likely benign for Congenital generalized lipodystrophy type 2; Hereditary spastic paraplegia 17; Severe neurodegenerative syndrome with lipodystrophy; Neuronopathy, distal hereditary motor, type 5C. Last evaluated: 2021-10-14. Review status: criteria provided, single submitter. Criteria: ACMG Guidelines, 2015. Collection method: clinical testing. Allele origin: unknown.

Genome Diagnostics Laboratory, The Hospital for Sick Children
Classification: Likely benign for Hereditary spastic paraplegia. Last evaluated: 2021-08-16. Review status: criteria provided, single submitter. Criteria: ACMG Guidelines, 2015. Collection method: clinical testing. Allele origin: germline. Affected: yes.

Ambry Genetics
Classification: Likely benign for Inborn genetic diseases. Last evaluated: 2020-05-18. Review status: criteria provided, single submitter. Criteria: Ambry Variant Classification Scheme 2023. Collection method: clinical testing. Allele origin: germline.

GeneDx
Classification: Benign. Last evaluated: 2019-04-09. Review status: criteria provided, single submitter. Criteria: GeneDx Variant Classification Process June 2021. Collection method: clinical testing. Allele origin: germline. Affected: yes.
Comment: This variant is associated with the following publications: (PMID: 29482223, 33111339)

Personalized Diabetes Medicine Program, University of Maryland School of Medicine
Classification: Benign for Monogenic diabetes. Last evaluated: 2018-08-10. Review status: criteria provided, single submitter. Criteria: ACMG Guidelines, 2015. Collection method: research. Allele origin: unknown. Observed: 2 variant alleles, 2 heterozygotes.
Comment: ACMG criteria: BS1 (0.7% in gnomAD AJ population, 0.3% overall MAF in gnomAD; disease prevalence 1:10 million gives MAF of 0.03%), BS2 (3 homozygotes in gnomAD ENF pop) [REVEL 0.257, PP3 (4 predictors), BP4 (6 predictors)= conflicting evidence, not using]= benign

Illumina Laboratory Services, Illumina
Classification: Likely benign for Congenital generalized lipodystrophy type 2. Last evaluated: 2018-01-13. Review status: criteria provided, single submitter. Criteria: ICSL Variant Classification Criteria 13 December 2019. Collection method: clinical testing. Allele origin: germline.
Comment: This variant was observed in the ICSL laboratory as part of a predisposition screen in an ostensibly healthy population. It had not been previously curated by ICSL or reported in the Human Gene Mutation Database (HGMD: prior to June 1st, 2018), and was therefore a candidate for classification through an automated scoring system. Utilizing variant allele frequency, disease prevalence and penetrance estimates, and inheritance mode, an automated score was calculated to assess if this variant is too frequent to cause the disease. Based on the score and internal cut-off values, a variant classified as likely benign is not then subjected to further curation. The score for this variant resulted in a classification of likely benign for this disease.

Illumina Laboratory Services, Illumina
Classification: Likely benign for Neuronopathy, distal hereditary motor, type 5A. Last evaluated: 2018-01-13. Review status: criteria provided, single submitter. Criteria: ICSL Variant Classification Criteria 13 December 2019. Collection method: clinical testing. Allele origin: germline.
Comment: the same text as in the submission from Illumina Laboratory Services, Illumina above.

Genetic Services Laboratory, University of Chicago
Classification: Likely benign. Last evaluated: 2017-05-23. Review status: criteria provided, single submitter. Criteria: ACMG Guidelines, 2015. Collection method: clinical testing. Allele origin: germline. Affected: no.

Eurofins Ntd Llc (ga)
Classification: Likely benign. Last evaluated: 2015-02-27. Review status: criteria provided, single submitter. Criteria: EGL Classification Definitions 2015. Collection method: clinical testing. Allele origin: germline. Observed: 1 variant allele, 1 heterozygote.

Breakthrough Genomics
Classification: Likely benign. Review status: criteria provided, single submitter. Criteria: ACMG Guidelines, 2015. Collection method: not provided. Allele origin: germline. Inheritance: Autosomal recessive inheritance. Affected: yes.

Clinical Genomics, Uppaluri K&H Personalized Medicine Clinic
Classification: Uncertain risk allele for Congenital generalized lipodystrophy type 2. Review status: criteria provided, single submitter. Criteria: K And H Uppaluri Personalized Medicine Clinic Variant Classification And Assertion Criteria Updated V 2. Collection method: research. Allele origin: unknown. Inheritance: Autosomal recessive inheritance.
Comment: Potent mutations in BSCL2 gene are associated with Congenital generalized lipodystrophy, type 2, which can present with insulin resistance, fatty liver and diabetes.However, the role of this particular variant rs145649423 of Congenital Generalized Lipodystrophy type 2 remains uncertain

Clinical Genetics DNA and cytogenetics Diagnostics Lab, Erasmus MC, Erasmus Medical Center
Classification: Likely benign. Review status: no assertion criteria provided. Collection method: clinical testing. Allele origin: germline. Affected: yes. Study: VKGL Data-share Consensus. Not counted in ClinVar's aggregate classification.

Clinical Genetics, Academic Medical Center
Classification: Likely benign. Review status: no assertion criteria provided. Collection method: clinical testing. Allele origin: germline. Affected: yes. Study: VKGL Data-share Consensus. Not counted in ClinVar's aggregate classification.

Diagnostic Laboratory, Department of Genetics, University Medical Center Groningen
Classification: Likely benign. Review status: no assertion criteria provided. Collection method: clinical testing. Allele origin: germline. Affected: yes. Study: VKGL Data-share Consensus. Not counted in ClinVar's aggregate classification.

Genome Diagnostics Laboratory, University Medical Center Utrecht
Classification: Likely benign. Review status: no assertion criteria provided. Collection method: clinical testing. Allele origin: germline. Affected: yes. Study: VKGL Data-share Consensus. Not counted in ClinVar's aggregate classification.

Literature cited by the submitters: PubMed 29525178 (cited by Athena Diagnostics); PubMed 32397312 (cited by Athena Diagnostics); PubMed 23963299 (cited by Athena Diagnostics); PubMed 25588603 (cited by Athena Diagnostics); PubMed 29482223 (cited by Mayo Clinic Laboratories, Mayo Clinic); PubMed 33111339 (cited by Mayo Clinic Laboratories, Mayo Clinic); PubMed 35351089 (cited by Clinical Genomics, Uppaluri K&H Personalized Medicine Clinic); PubMed 18690553 (cited by Clinical Genomics, Uppaluri K&H Personalized Medicine Clinic); PubMed 31824185 (cited by Clinical Genomics, Uppaluri K&H Personalized Medicine Clinic).